The following is an entry in ClinVar:

ClinVar aggregate classification (germline): Likely benign (1 of 4 stars; one submission).

Allele frequency attached by ClinVar (database versions not stated): gnomAD exomes below 0.00001; gnomAD 0.00001; 1000 Genomes Project 30x 0.00016.
gnomAD v4.1: 3 of 1,542,890 alleles (0.00019%); highest among the groups gnomAD compares: Admixed American, 0.002%; no homozygotes.

Submission:

CeGaT Center for Human Genetics Tuebingen
Classification: Likely benign. Last evaluated: 2025-05-01. Review status: criteria provided, single submitter. Criteria: CeGaT Center For Human Genetics Tuebingen Variant Classification Criteria Version 2. Collection method: clinical testing. Allele origin: germline. Affected: yes. Observed: 2 variant alleles.
Comment: CACNA1A: BP4, BP7

NM_001127222.2(CACNA1A):c.60C>T (p.Ala20=)

Gene: CACNA1A (calcium voltage-gated channel subunit alpha1 A; minus strand). Cytogenetic location: 19p13.13.
Variant type: single nucleotide variant.
Coding change: c.60C>T on transcript NM_001127222.2 (MANE Select); coding-DNA position 60, C replaced by T.
Protein change: p.Ala20=; no amino-acid change (alanine 20 retained).
Molecular consequence: synonymous variant.
Genome position (GRCh38, 1-based): chr19:13,506,165, G>A on the plus strand (C>T on the coding strand, the complement: CACNA1A is on the minus strand). VCF-style: chr19-13506165-G-A. GRCh37 (hg19) VCF-style: chr19-13616979-G-A.
Other names: c.60C>T, p.Ala20= (NM_000068.4, NM_001127221.2, NM_001174080.2 and 1 more transcripts).
Identifiers: ClinVar variation 2649395 (VCV002649395.24), dbSNP rs1178571113, ClinGen allele CA505802570.